The following is an entry in ClinVar:

NM_001242896.3(DEPDC5):c.327del (p.Ile109fs)

Gene: DEPDC5 (DEP domain containing 5, GATOR1 subcomplex subunit; plus strand). Cytogenetic location: 22q12.2.
Variant type: Deletion.
Coding change: c.327del on transcript NM_001242896.3 (MANE Select); coding-DNA position 327, one base deleted (T; older notation c.327delT).
Protein change: p.Ile109fs; shifts the reading frame from isoleucine 109.
Molecular consequence: frameshift variant. On other transcripts: non-coding transcript variant (5), intron variant (2).
Genome position (GRCh38, 1-based): chr22:31,766,632, T deleted; the last of 2 consecutive T bases (chr22:31,766,631-31,766,632); deleting either gives the same sequence. VCF-style (leftmost placement, unchanged base first): chr22-31766630-AT-A. GRCh37 (hg19) VCF-style: chr22-32162616-AT-A.
Other names: c.327del, p.Ile109fs (NM_001242897.2, NM_001363852.2, NM_001363854.2 and 7 more transcripts); c.279+1572del (NM_001369902.1, NM_001369901.1); short protein forms I109fs.
Identifiers: ClinVar variation 1458114 (VCV001458114.6), dbSNP rs2148128390, ClinGen allele CA2573158147.

ClinVar aggregate classification (germline): Pathogenic (1 of 4 stars; one submission).

Conditions:
Familial focal epilepsy with variable foci (FPEVF). Identifiers: Orphanet 98820, MedGen C1858477, MONDO:0020310.

Submission:

Labcorp Genetics (formerly Invitae), Labcorp
Classification: Pathogenic for Familial focal epilepsy with variable foci. Last evaluated: 2022-02-21. Review status: criteria provided, single submitter. Criteria: Invitae Variant Classification Sherloc (09022015). Collection method: clinical testing. Allele origin: germline.
Comment: This variant is not present in population databases (gnomAD no frequency). For these reasons, this variant has been classified as Pathogenic. This variant has not been reported in the literature in individuals affected with DEPDC5-related conditions. This sequence change creates a premature translational stop signal (p.Ile109Metfs*9) in the DEPDC5 gene. It is expected to result in an absent or disrupted protein product. Loss-of-function variants in DEPDC5 are known to be pathogenic (PMID: 23542697, 23542701).

Literature cited by the submitters: PubMed 23542697; PubMed 23542701.